The following is an entry in ClinVar:

ClinVar aggregate classification (germline): Uncertain significance. Review status: criteria provided, multiple submitters, no conflicts (2 of 4 stars). 2 submissions from 2 submitters: Uncertain significance (2). Last evaluated 2026-01-03.

Conditions:
Inborn genetic diseases. Identifiers: MedGen C0950123, MeSH D030342.

gnomAD v4.1: 26 of 1,612,016 alleles (0.0016%); highest among the groups gnomAD compares: African/African-American, 0.008%; no homozygotes.

Submissions (2):

Labcorp Genetics (formerly Invitae), Labcorp
Classification: Uncertain significance. Last evaluated: 2026-01-03. Review status: criteria provided, single submitter. Criteria: Invitae Variant Classification Sherloc (09022015). Collection method: clinical testing. Allele origin: germline.
Comment: This sequence change replaces threonine, which is neutral and polar, with methionine, which is neutral and non-polar, at codon 121 of the ATP5D protein (p.Thr121Met). This variant is present in population databases (rs138162893, gnomAD 0.009%). This variant has not been reported in the literature in individuals affected with ATP5D-related conditions. ClinVar contains an entry for this variant (Variation ID: 3457806). An algorithm developed to predict the effect of missense changes on protein structure and function (PolyPhen-2) suggests that this variant is likely to be disruptive. In summary, the available evidence is currently insufficient to determine the role of this variant in disease. Therefore, it has been classified as a Variant of Uncertain Significance.

Ambry Genetics
Classification: Uncertain significance for Inborn genetic diseases. Last evaluated: 2024-09-09. Review status: criteria provided, single submitter. Criteria: Ambry Variant Classification Scheme 2023. Collection method: clinical testing. Allele origin: germline.

NM_001687.5(ATP5F1D):c.362C>T (p.Thr121Met)

Gene: ATP5F1D (ATP synthase F1 subunit delta; plus strand). Cytogenetic location: 19p13.3.
Variant type: single nucleotide variant.
Coding change: c.362C>T on transcript NM_001687.5 (MANE Select); coding-DNA position 362, C replaced by T.
Protein change: p.Thr121Met; replaces threonine 121 with methionine.
Molecular consequence: missense variant.
Genome position (GRCh38, 1-based): chr19:1,244,163, C>T. VCF-style: chr19-1244163-C-T. GRCh37 (hg19) VCF-style: chr19-1244162-C-T.
Other names: c.362C>T, p.Thr121Met (NM_001001975.2); short protein forms T121M.
Identifiers: ClinVar variation 3457806 (VCV003457806.3).
Genomic context (GRCh38, chr19:1,244,163, plus strand): 5'-GCGGTTCCATCGCAGTGAACGCCGACTCTTCGGTGCAGTTGTTGGCCGAAGAGGCCGTGA[C>T]GCTGGACATGTTGGACCTGGGGGTGAGTGTCAGAGGGGACCTGAGGCTCAGCAGGTTGGA-3'
Protein context (NP_001678.1, residues 111-131): SVQLLAEEAV[Thr121Met]LDMLDLGAAK